The following is an entry in ClinVar:

ClinVar aggregate classification (germline): Uncertain significance (1 of 4 stars; one submission).

Allele frequency attached by ClinVar (database versions not stated): TOPMed below 0.00001.
gnomAD v4.1: 3 of 1,413,570 alleles (0.00021%); highest among the groups gnomAD compares: South Asian, 0.0026%; no homozygotes.

Submission:

Labcorp Genetics (formerly Invitae), Labcorp
Classification: Uncertain significance. Last evaluated: 2023-12-11. Review status: criteria provided, single submitter. Criteria: Invitae Variant Classification Sherloc (09022015). Collection method: clinical testing. Allele origin: germline.
Comment: This sequence change replaces arginine, which is basic and polar, with glutamine, which is neutral and polar, at codon 2005 of the APC2 protein (p.Arg2005Gln). The frequency data for this variant in the population databases is considered unreliable, as metrics indicate poor data quality at this position in the gnomAD database. This variant has not been reported in the literature in individuals affected with APC2-related conditions. ClinVar contains an entry for this variant (Variation ID: 2170961). Advanced modeling of protein sequence and biophysical properties (such as structural, functional, and spatial information, amino acid conservation, physicochemical variation, residue mobility, and thermodynamic stability) performed at Invitae indicates that this missense variant is not expected to disrupt APC2 protein function with a negative predictive value of 80%. In summary, the available evidence is currently insufficient to determine the role of this variant in disease. Therefore, it has been classified as a Variant of Uncertain Significance.

NM_005883.3(APC2):c.6014G>A (p.Arg2005Gln)

Gene: APC2 (APC regulator of Wnt signaling pathway 2; plus strand). Cytogenetic location: 19p13.3.
Variant type: single nucleotide variant.
Coding change: c.6014G>A on transcript NM_005883.3 (MANE Select); coding-DNA position 6014, G replaced by A.
Protein change: p.Arg2005Gln; replaces arginine 2005 with glutamine.
Molecular consequence: missense variant.
Genome position (GRCh38, 1-based): chr19:1,469,315, G>A. VCF-style: chr19-1469315-G-A. GRCh37 (hg19) VCF-style: chr19-1469314-G-A.
Other names: c.6011G>A, p.Arg2004Gln (NM_001351273.1); short protein forms R2004Q, R2005Q.
Identifiers: ClinVar variation 2170961 (VCV002170961.4), dbSNP rs1416638583, ClinGen allele CA403042369.
Genomic context (GRCh38, chr19:1,469,315, plus strand): 5'-CCTCCGACCGCTCGGGCTTCCGGCGACAGCTAACCTTCATCAAGGAGTCGCCGGGCTTGC[G>A]GCGCCGCCGCTCCGAGCTGTCCTCGGCCGAGTCCGCGGCCTCTGCCCCCCAGGGCGCCTC-3'
Protein context (NP_005874.1, residues 1995-2015): LTFIKESPGL[Arg2005Gln]RRRSELSSAE